The following is an entry in ClinVar:

ClinVar aggregate classification (germline): Uncertain significance (1 of 4 stars; one submission).

Allele frequency attached by ClinVar (database versions not stated): gnomAD 0.00001; TOPMed 0.00001; ExAC 0.00002; gnomAD exomes 0.00004.
gnomAD v4.1: 59 of 1,613,886 alleles (0.0037%); highest among the groups gnomAD compares: Non-Finnish European, 0.0047%; no homozygotes.

Submission:

Labcorp Genetics (formerly Invitae), Labcorp
Classification: Uncertain significance. Last evaluated: 2022-08-22. Review status: criteria provided, single submitter. Criteria: Invitae Variant Classification Sherloc (09022015). Collection method: clinical testing. Allele origin: germline.
Comment: This sequence change replaces glycine, which is neutral and non-polar, with serine, which is neutral and polar, at codon 534 of the VPS11 protein (p.Gly534Ser). This variant is present in population databases (rs782532693, gnomAD 0.003%). This variant has not been reported in the literature in individuals affected with VPS11-related conditions. Experimental studies and prediction algorithms are not available or were not evaluated, and the functional significance of this variant is currently unknown. In summary, the available evidence is currently insufficient to determine the role of this variant in disease. Therefore, it has been classified as a Variant of Uncertain Significance.

NM_021729.6(VPS11):c.1600G>A (p.Gly534Ser)

Gene: VPS11 (VPS11 core subunit of CORVET and HOPS complexes; plus strand). Cytogenetic location: 11q23.3.
Variant type: single nucleotide variant.
Coding change: c.1600G>A on transcript NM_021729.6 (MANE Select); coding-DNA position 1600, G replaced by A.
Protein change: p.Gly534Ser; replaces glycine 534 with serine.
Molecular consequence: missense variant. On other transcripts: non-coding transcript variant (8).
Genome position (GRCh38, 1-based): chr11:119,077,905, G>A. VCF-style: chr11-119077905-G-A. GRCh37 (hg19) VCF-style: chr11-118948615-G-A.
Other names: c.1585G>A, p.Gly529Ser (NM_001378220.1); c.1582G>A, p.Gly528Ser (NM_001378221.1); c.1570G>A, p.Gly524Ser (NM_001290185.2); c.1612G>A, p.Gly538Ser (NM_001378218.1, NM_001378219.1); short protein forms G524S, G528S, G538S, G529S, G534S.
Identifiers: ClinVar variation 1987167 (VCV001987167.1), dbSNP rs782532693, ClinGen allele CA6313467.
Genomic context (GRCh38, chr11:119,077,905, plus strand): 5'-GTATACACTATTCTGCCCTTTACTTTTCCACAGAATTATCAGGAAGCCCTTCGATACATC[G>A]GCAAGCTGCCTTTTGAGCAGGCAGAGAGCAACATGAAGCGCTACGGCAAGATCCTCATGC-3'
Protein context (NP_068375.3, residues 524-544): KNYQEALRYI[Gly534Ser]KLPFEQAESN